The following is an entry in ClinVar:

NM_000274.4(OAT):c.1222C>G (p.His408Asp)

Gene: OAT (ornithine aminotransferase; minus strand). Cytogenetic location: 10q26.13.
Variant type: single nucleotide variant.
Coding change: c.1222C>G on transcript NM_000274.4 (MANE Select); coding-DNA position 1222, C replaced by G.
Protein change: p.His408Asp; replaces histidine 408 with aspartic acid.
Molecular consequence: missense variant.
Genome position (GRCh38, 1-based): chr10:124,398,040, G>C on the plus strand (C>G on the coding strand, the complement: OAT is on the minus strand). VCF-style: chr10-124398040-G-C. GRCh37 (hg19) VCF-style: chr10-126086609-G-C.
Other names: c.808C>G, p.His270Asp (NM_001171814.2); c.1222C>G, p.His408Asp (NM_001322965.2, NM_001322966.2, NM_001322967.2 and 3 more transcripts); c.901C>G, p.His301Asp (NM_001322971.2); c.622C>G, p.His208Asp (NM_001322974.2); short protein forms H208D, H270D, H301D, H408D.
Identifiers: ClinVar variation 2063761 (VCV002063761.4), dbSNP rs768166413, ClinGen allele CA215241608.

ClinVar aggregate classification (germline): Uncertain significance (1 of 4 stars; one submission).

Conditions:
Ornithine aminotransferase deficiency (GACR). Also called: HYPERORNITHINEMIA WITH GYRATE ATROPHY OF CHOROID AND RETINA; OAT DEFICIENCY; OKT DEFICIENCY; Ornithine ketoacid aminotransferase deficiency; Gyrate atrophy; Gyrate atrophy of choroid and retina. Identifiers: Orphanet 414, MedGen C0018425, MONDO:0009796, OMIM 258870.

gnomAD v4.1: 1 of 1,614,110 alleles (0.000062%); no homozygotes.

Submission:

Labcorp Genetics (formerly Invitae), Labcorp
Classification: Uncertain significance for Ornithine aminotransferase deficiency. Last evaluated: 2021-12-28. Review status: criteria provided, single submitter. Criteria: Invitae Variant Classification Sherloc (09022015). Collection method: clinical testing. Allele origin: germline.
Comment: This variant has not been reported in the literature in individuals affected with OAT-related conditions. In summary, the available evidence is currently insufficient to determine the role of this variant in disease. Therefore, it has been classified as a Variant of Uncertain Significance. Algorithms developed to predict the effect of missense changes on protein structure and function are either unavailable or do not agree on the potential impact of this missense change (SIFT: "Deleterious"; PolyPhen-2: "Probably Damaging"; Align-GVGD: "Class C0"). This variant is not present in population databases (gnomAD no frequency). This sequence change replaces histidine, which is basic and polar, with aspartic acid, which is acidic and polar, at codon 408 of the OAT protein (p.His408Asp).